The following is an entry in ClinVar:

NM_014141.6(CNTNAP2):c.2356G>A (p.Val786Ile)

Gene: CNTNAP2 (contactin associated protein 2; plus strand). Cytogenetic location: 7q35.
Variant type: single nucleotide variant.
Coding change: c.2356G>A on transcript NM_014141.6 (MANE Select); coding-DNA position 2356, G replaced by A.
Protein change: p.Val786Ile; replaces valine 786 with isoleucine.
Molecular consequence: missense variant.
Genome position (GRCh38, 1-based): chr7:147,977,962, G>A. VCF-style: chr7-147977962-G-A. GRCh37 (hg19) VCF-style: chr7-147675054-G-A.
Other names: p.V786I:GTA>ATA; short protein forms V786I.
Identifiers: ClinVar variation 205264 (VCV000205264.11), dbSNP rs138517537, ClinGen allele CA314162.
Genomic context (GRCh38, chr7:147,977,962, plus strand): 5'-CCAGTGAGCCAAGTGGTGGTTGGAGATACTGACCGTCAAGGCTCAGAAGCCAAATTGAGC[G>A]TAGGTCCTCTGCGCTGCCAAGGAGACAGTAAGTTTGCATAGCAGCTATGGCTTGCACTTT-3'
Protein context (NP_054860.1, residues 776-796): DRQGSEAKLS[Val786Ile]GPLRCQGDRN

ClinVar aggregate classification (germline): Conflicting classifications of pathogenicity. Review status: criteria provided, conflicting classifications (1 of 4 stars). 3 submissions from 3 submitters: Uncertain significance (2); Likely benign (1). Last evaluated 2023-12-23.

Conditions:
Inborn genetic diseases. Identifiers: MedGen C0950123, MeSH D030342.
Cortical dysplasia-focal epilepsy syndrome (PTHSL1). Also called: Pitt-Hopkins-like syndrome 1. Identifiers: Orphanet 163681, Orphanet 221150, MedGen C2750246, MONDO:0012400, OMIM 610042.

Allele frequency attached by ClinVar (database versions not stated): TOPMed 0.00003; ESP Exome Variant Server 0.00008; 1000 Genomes Project 0.00060; 1000 Genomes Project 30x 0.00062.
gnomAD v4.1: 115 of 1,614,100 alleles (0.0071%); highest among the groups gnomAD compares: Admixed American, 0.013%; 1 homozygote.

Submissions (3):

Labcorp Genetics (formerly Invitae), Labcorp
Classification: Uncertain significance for Cortical dysplasia-focal epilepsy syndrome. Last evaluated: 2023-12-23. Review status: criteria provided, single submitter. Criteria: Invitae Variant Classification Sherloc (09022015). Collection method: clinical testing. Allele origin: germline.
Comment: This sequence change replaces valine, which is neutral and non-polar, with isoleucine, which is neutral and non-polar, at codon 786 of the CNTNAP2 protein (p.Val786Ile). This variant is present in population databases (rs138517537, gnomAD 0.01%), including at least one homozygous and/or hemizygous individual. This variant has not been reported in the literature in individuals affected with CNTNAP2-related conditions. ClinVar contains an entry for this variant (Variation ID: 205264). An algorithm developed to predict the effect of missense changes on protein structure and function (PolyPhen-2) suggests that this variant¬†is likely to be tolerated. In summary, the available evidence is currently insufficient to determine the role of this variant in disease. Therefore, it has been classified as a Variant of Uncertain Significance.

GeneDx
Classification: Likely benign. Last evaluated: 2019-10-02. Review status: criteria provided, single submitter. Criteria: GeneDx Variant Classification Process June 2021. Collection method: clinical testing. Allele origin: germline. Affected: yes.
Comment: Has not been previously published as pathogenic or benign to our knowledge

Ambry Genetics
Classification: Uncertain significance for Inborn genetic diseases. Last evaluated: 2017-06-28. Review status: criteria provided, single submitter. Criteria: Ambry Variant Classification Scheme 2023. Collection method: clinical testing. Allele origin: germline.
Comment: The p.V786I variant (also known as c.2356G>A), located in coding exon 15 of the CNTNAP2 gene, results from a G to A substitution at nucleotide position 2356. The valine at codon 786 is replaced by isoleucine, an amino acid with highly similar properties. This amino acid position is highly conserved in available vertebrate species. In addition, this alteration is predicted to be tolerated by in silico analysis. Since supporting evidence is limited at this time, the clinical significance of this alteration remains unclear.